The following is an entry in ClinVar:

NM_020884.7(MYH7B):c.5372A>C (p.Lys1791Thr)

Gene: MYH7B (myosin heavy chain 7B; plus strand). Cytogenetic location: 20q11.22.
Variant type: single nucleotide variant.
Coding change: c.5372A>C on transcript NM_020884.7 (MANE Select); coding-DNA position 5372, A replaced by C.
Protein change: p.Lys1791Thr; replaces lysine 1791 with threonine.
Molecular consequence: missense variant.
Genome position (GRCh38, 1-based): chr20:35,001,055, A>C. VCF-style: chr20-35001055-A-C. GRCh37 (hg19) VCF-style: chr20-33588858-A-C.
Other names: c.5498A>C (NM_020884.4); short protein forms K1791T.
Identifiers: ClinVar variation 1328260 (VCV001328260.12), dbSNP rs191392262, ClinGen allele CA9828530.

ClinVar aggregate classification (germline): Benign. Review status: criteria provided, single submitter (1 of 4 stars). 4 submissions from 4 submitters: Benign (1). 3 of the submissions do not count toward it. Last evaluated 2025-11-17.

Conditions:
MYH7B-related disorder. Also called: MYH7B-related condition.

Allele frequency attached by ClinVar (database versions not stated): gnomAD exomes 0.00034 and 0.00076; ESP Exome Variant Server 0.00038; gnomAD 0.00050 and 0.00054; TOPMed 0.00072; ExAC 0.00076; 1000 Genomes Project 0.00220; 1000 Genomes Project 30x 0.00234.
gnomAD v4.1: 634 of 1,613,882 alleles (0.039%); highest among the groups gnomAD compares: East Asian, 0.58%; 3 homozygotes.

Submissions (4):

Labcorp Genetics (formerly Invitae), Labcorp
Classification: Benign. Last evaluated: 2025-11-17. Review status: criteria provided, single submitter. Criteria: Invitae Variant Classification Sherloc (09022015). Collection method: clinical testing. Allele origin: germline.

PreventionGenetics, part of Exact Sciences
Classification: Likely benign for MYH7B-related condition. Last evaluated: 2019-09-17. Review status: no assertion criteria provided. Collection method: clinical testing. Allele origin: germline. Not counted in ClinVar's aggregate classification.
Comment: This variant is classified as likely benign based on ACMG/AMP sequence variant interpretation guidelines (Richards et al. 2015 PMID: 25741868, with internal and published modifications).

Clinical Genetics DNA and cytogenetics Diagnostics Lab, Erasmus MC, Erasmus Medical Center
Classification: Uncertain significance. Review status: no assertion criteria provided. Collection method: clinical testing. Allele origin: germline. Affected: yes. Study: VKGL Data-share Consensus. Not counted in ClinVar's aggregate classification.

Laboratory of Diagnostic Genome Analysis, Leiden University Medical Center (LUMC)
Classification: Uncertain significance. Review status: no assertion criteria provided. Collection method: clinical testing. Allele origin: germline. Affected: yes. Study: VKGL Data-share Consensus. Not counted in ClinVar's aggregate classification.